The following is an entry in ClinVar:

ClinVar aggregate classification (germline): Likely benign (1 of 4 stars; one submission).

gnomAD v4.1: 1 of 1,613,654 alleles (0.000062%); highest among the groups gnomAD compares: South Asian, 0.0011%; no homozygotes.

Submission:

Molecular Diagnostic Laboratory for Inherited Cardiovascular Disease, Montreal Heart Institute
Classification: Likely benign. Last evaluated: 2025-04-09. Review status: criteria provided, single submitter. Criteria: ACMG Guidelines, 2015. Collection method: clinical testing. Allele origin: germline. Affected: no.
Comment: BP1

NM_001267550.2(TTN):c.80291G>C (p.Gly26764Ala)

Genes: TTN (titin; minus strand), TTN-AS1 (TTN antisense RNA 1; plus strand). Cytogenetic location: 2q31.2.
Variant type: single nucleotide variant.
Coding change: c.80291G>C on transcript NM_001267550.2 (MANE Select); coding-DNA position 80291, G replaced by C.
Protein change: p.Gly26764Ala; replaces glycine 26764 with alanine.
Molecular consequence: missense variant.
Genome position (GRCh38, 1-based): chr2:178,565,841, C>G on the plus strand (G>C on the coding strand, the complement: TTN is on the minus strand). VCF-style: chr2-178565841-C-G. GRCh37 (hg19) VCF-style: chr2-179430568-C-G.
Other names: c.75368G>C, p.Gly25123Ala (NM_001256850.1); c.53096G>C, p.Gly17699Ala (NM_003319.4); c.72587G>C, p.Gly24196Ala (NM_133378.4); c.53471G>C, p.Gly17824Ala (NM_133432.3); c.53672G>C, p.Gly17891Ala (NM_133437.4); short protein forms G17699A, G17824A, G17891A, G24196A, G25123A, G26764A.
Identifiers: ClinVar variation 3895112 (VCV003895112.1).